The following is an entry in ClinVar:

NM_000179.3(MSH6):c.1259A>T (p.Asn420Ile)

Gene: MSH6 (mutS homolog 6; plus strand). Cytogenetic location: 2p16.3.
Variant type: single nucleotide variant.
Coding change: c.1259A>T on transcript NM_000179.3 (MANE Select); coding-DNA position 1259, A replaced by T.
Protein change: p.Asn420Ile; replaces asparagine 420 with isoleucine.
Molecular consequence: missense variant. On other transcripts: non-coding transcript variant (4), intron variant (1).
Genome position (GRCh38, 1-based): chr2:47,799,242, A>T. VCF-style: chr2-47799242-A-T. GRCh37 (hg19) VCF-style: chr2-48026381-A-T.
Other names: c.869A>T, p.Asn290Ile (NM_001281492.2); c.353A>T, p.Asn118Ile (NM_001281493.2, NM_001281494.2, NM_001406811.1 and 6 more transcripts); c.1355A>T, p.Asn452Ile (NM_001406795.1, NM_001406802.1); c.1259A>T, p.Asn420Ile (NM_001406796.1, NM_001406798.1, NM_001406800.1 and 4 more transcripts); c.962A>T, p.Asn321Ile (NM_001406797.1, NM_001406801.1, NM_001406805.1 and 10 more transcripts); c.734A>T, p.Asn245Ile (NM_001406799.1, NM_001406806.1, NM_001406807.1); c.1181A>T, p.Asn394Ile (NM_001406804.1); c.1265A>T, p.Asn422Ile (NM_001406813.1); and 2 more; short protein forms N321I, N118I, N422I, N394I, N420I, N245I, N290I, N364I.
Identifiers: ClinVar variation 3398899 (VCV003398899.1).

ClinVar aggregate classification (germline): Uncertain significance (1 of 4 stars; one submission).

Conditions:
Hereditary cancer-predisposing syndrome. Also called: Hereditary Cancer Syndrome; Tumor predisposition; Hereditary neoplastic syndrome; Neoplastic Syndromes, Hereditary. Identifiers: Orphanet 140162, MedGen C0027672, MeSH D009386, MONDO:0015356.

gnomAD v4.1: 1 of 1,614,182 alleles (0.000062%); highest among the groups gnomAD compares: East Asian, 0.0022%; no homozygotes.

Submission:

Ambry Genetics
Classification: Uncertain significance for Hereditary cancer-predisposing syndrome. Last evaluated: 2024-08-20. Review status: criteria provided, single submitter. Criteria: Ambry Variant Classification Scheme 2023. Collection method: clinical testing. Allele origin: germline.
Comment: The p.N420I variant (also known as c.1259A>T), located in coding exon 4 of the MSH6 gene, results from an A to T substitution at nucleotide position 1259. The asparagine at codon 420 is replaced by isoleucine, an amino acid with dissimilar properties. This amino acid position is conserved. In addition, the in silico prediction for this alteration is inconclusive. Based on the available evidence, the clinical significance of this variant remains unclear.